The following is an entry in ClinVar:

NM_001035.3(RYR2):c.9050A>G (p.His3017Arg)

Gene: RYR2 (ryanodine receptor 2; plus strand). Cytogenetic location: 1q43.
Variant type: single nucleotide variant.
Coding change: c.9050A>G on transcript NM_001035.3 (MANE Select); coding-DNA position 9050, A replaced by G.
Protein change: p.His3017Arg; replaces histidine 3017 with arginine.
Molecular consequence: missense variant.
Genome position (GRCh38, 1-based): chr1:237,687,487, A>G. VCF-style: chr1-237687487-A-G. GRCh37 (hg19) VCF-style: chr1-237850787-A-G.
Other names: c.9050A>G (NM_001035.2); short protein forms H3017R.
Identifiers: ClinVar variation 920113 (VCV000920113.11), dbSNP rs777560001, ClinGen allele CA087818.

ClinVar aggregate classification (germline): Uncertain significance. Review status: criteria provided, multiple submitters, no conflicts (2 of 4 stars). 5 submissions from 5 submitters: Uncertain significance (5). Last evaluated 2025-11-10.

Conditions:
Cardiovascular phenotype. Identifiers: MedGen CN230736.
Catecholaminergic polymorphic ventricular tachycardia (CVPT). Also called: Catecholamine-induced polymorphic ventricular tachycardia. Identifiers: Orphanet 3286, MedGen C5574922, MONDO:0017990.
Cardiomyopathy (CMYO). Also called: Cardiomyopathies. Identifiers: Orphanet 167848, MedGen C0878544, MONDO:0004994, HP:0001638. Inheritance: Various modes of inheritance.
Catecholaminergic polymorphic ventricular tachycardia 1. Also called: VENTRICULAR TACHYCARDIA, CATECHOLAMINERGIC POLYMORPHIC, 1, WITH OR WITHOUT ATRIAL DYSFUNCTION AND/OR DILATED CARDIOMYOPATHY; RYR2-Related Catecholaminergic Polymorphic Ventricular Tachycardia; VENTRICULAR TACHYCARDIA, STRESS-INDUCED POLYMORPHIC 1. Identifiers: Orphanet 3286, MedGen C1631597, MONDO:0011484, OMIM 604772.

Allele frequency attached by ClinVar (database versions not stated): ExAC 0.00001; gnomAD 0.00001; gnomAD exomes 0.00001.
gnomAD v4.1: 20 of 1,604,150 alleles (0.0012%); highest among the groups gnomAD compares: Admixed American, 0.0017%; no homozygotes.

Submissions (5):

Color Diagnostics, LLC DBA Color Health
Classification: Uncertain significance for Cardiomyopathy. Last evaluated: 2025-11-10. Review status: criteria provided, single submitter. Criteria: ACMG Guidelines, 2015. Collection method: clinical testing. Allele origin: germline.
Comment: This missense variant replaces histidine with arginine at codon 3017 of the RYR2 protein. Computational prediction is inconclusive regarding the impact of this variant on protein structure and function. To our knowledge, functional studies have not been reported for this variant. This variant has not been reported in individuals affected with RYR2-related disorders in the literature. This variant has been identified in 20/1604150 chromosomes in the general population by the Genome Aggregation Database (gnomAD). The available evidence is insufficient to determine the role of this variant in disease conclusively. Therefore, this variant is classified as a Variant of Uncertain Significance.

GeneDx
Classification: Uncertain significance. Last evaluated: 2024-12-13. Review status: criteria provided, single submitter. Criteria: GeneDx Variant Classification Process June 2021. Collection method: clinical testing. Allele origin: germline. Affected: yes.
Comment: Not observed at significant frequency in large population cohorts (gnomAD); In silico analysis supports that this missense variant has a deleterious effect on protein structure/function; Has not been previously published as pathogenic or benign to our knowledge; Not located in one of the three hot-spot regions of the RYR2 gene, where the majority of pathogenic missense variants occur; This variant is associated with the following publications: (PMID: 19926015)

Labcorp Genetics (formerly Invitae), Labcorp
Classification: Uncertain significance for Catecholaminergic polymorphic ventricular tachycardia 1. Last evaluated: 2024-05-16. Review status: criteria provided, single submitter. Criteria: Invitae Variant Classification Sherloc (09022015). Collection method: clinical testing. Allele origin: germline.
Comment: This sequence change replaces histidine, which is basic and polar, with arginine, which is basic and polar, at codon 3017 of the RYR2 protein (p.His3017Arg). This variant is present in population databases (rs777560001, gnomAD 0.003%). This variant has not been reported in the literature in individuals affected with RYR2-related conditions. ClinVar contains an entry for this variant (Variation ID: 920113). Advanced modeling of protein sequence and biophysical properties (such as structural, functional, and spatial information, amino acid conservation, physicochemical variation, residue mobility, and thermodynamic stability) performed at Invitae indicates that this missense variant is not expected to disrupt RYR2 protein function with a negative predictive value of 95%. In summary, the available evidence is currently insufficient to determine the role of this variant in disease. Therefore, it has been classified as a Variant of Uncertain Significance.

Ambry Genetics
Classification: Uncertain significance for Cardiovascular phenotype. Last evaluated: 2024-01-23. Review status: criteria provided, single submitter. Criteria: Ambry Variant Classification Scheme 2023. Collection method: clinical testing. Allele origin: germline.
Comment: The p.H3017R variant (also known as c.9050A>G), located in coding exon 63 of the RYR2 gene, results from an A to G substitution at nucleotide position 9050. The histidine at codon 3017 is replaced by arginine, an amino acid with highly similar properties. This alteration has been reported in an exome sequencing cohort (Landstrom AP et al. Circ Arrhythm Electrophysiol, 2017 Apr;10:). This amino acid position is highly conserved in available vertebrate species. In addition, this alteration is predicted to be tolerated by in silico analysis. Based on the available evidence, the clinical significance of this alteration remains unclear.

All of Us Research Program, National Institutes of Health
Classification: Uncertain significance for Catecholaminergic polymorphic ventricular tachycardia. Last evaluated: 2023-12-13. Review status: criteria provided, single submitter. Criteria: ACMG Guidelines, 2015. Collection method: clinical testing. Allele origin: germline. Inheritance: Autosomal dominant inheritance. Observed: 6 variant alleles, 6 heterozygotes.
Comment: Variant of Uncertain Significance due to insufficient evidence: This missense variant replaces histidine with arginine at codon 3017 of the RYR2 protein. Computational prediction tools and conservation analyses suggest that this variant may have deleterious impact on the protein function. Computational splicing tools suggest that this variant may not impact RNA splicing. To our knowledge, functional assays have not been performed for this variant nor has this variant been reported in individuals affected with cardiovascular disorders in the literature. This variant has been identified in 4/272132 chromosomes in the general population by the Genome Aggregation Database (gnomAD). Available evidence is insufficient to determine the role of this variant in disease conclusively.

This study involves interpretation of variants in research participants for the purpose of population health screening. Participant phenotype was not available at the time of variant classification. Additional details can be found in publication PMID: 35346344, PMCID: PMC8962531

Literature cited by the submitters: PubMed 28404607 (cited by Ambry Genetics).